The following is an entry in ClinVar:

NM_000059.4(BRCA2):c.2835A>C (p.Lys945Asn)

Gene: BRCA2 (BRCA2 DNA repair associated; plus strand). Cytogenetic location: 13q13.1.
Variant type: single nucleotide variant.
Coding change: c.2835A>C on transcript NM_000059.4 (MANE Select); coding-DNA position 2835, A replaced by C.
Protein change: p.Lys945Asn; replaces lysine 945 with asparagine.
Molecular consequence: missense variant.
Genome position (GRCh38, 1-based): chr13:32,337,190, A>C. VCF-style: chr13-32337190-A-C. GRCh37 (hg19) VCF-style: chr13-32911327-A-C.
Other names: 3063A>C; short protein forms K945N.
Identifiers: ClinVar variation 91789 (VCV000091789.18), dbSNP rs398122755, ClinGen allele CA016551.

ClinVar aggregate classification (germline): Conflicting classifications of pathogenicity. Review status: criteria provided, conflicting classifications (1 of 4 stars). 6 submissions from 6 submitters: Uncertain significance (4); Likely benign (1). 1 of the submissions does not count toward it. Last evaluated 2025-03-17.

Conditions:
Hereditary cancer-predisposing syndrome. Also called: Tumor predisposition; Hereditary Cancer Syndrome; Neoplastic Syndromes, Hereditary; Hereditary neoplastic syndrome. Identifiers: Orphanet 140162, MedGen C0027672, MeSH D009386, MONDO:0015356.
Hereditary breast ovarian cancer syndrome. Also called: Breast and ovarian cancer; Hereditary breast and ovarian cancer; Hereditary breast and ovarian cancer syndrome; BRCA1- and BRCA2-Associated Hereditary Breast and Ovarian Cancer; Hereditary breast and ovarian cancer syndrome (HBOC); Hereditary breast and/or ovarian cancer syndrome. Identifiers: Orphanet 145, MedGen C0677776, MeSH D061325, MONDO:0003582. Disease mechanism: loss of function.
Breast-ovarian cancer, familial, susceptibility to, 2 (BROVCA2). Also called: BRCA2 Hereditary Breast and Ovarian Cancer. Identifiers: Orphanet 145, MedGen C2675520, MONDO:0012933, OMIM 612555. Disease mechanism: loss of function.

Allele frequency attached by ClinVar (database versions not stated): gnomAD exomes below 0.00001.
gnomAD v4.1: 1 of 1,613,802 alleles (0.000062%); highest among the groups gnomAD compares: Non-Finnish European, 0.000085%; no homozygotes.

Submissions (6):

Ambry Genetics
Classification: Uncertain significance for Hereditary cancer-predisposing syndrome. Last evaluated: 2025-03-17. Review status: criteria provided, single submitter. Criteria: Ambry Variant Classification Scheme 2023. Collection method: clinical testing. Allele origin: germline.
Comment: The p.K945N variant (also known as c.2835A>C), located in coding exon 10 of the BRCA2 gene, results from an A to C substitution at nucleotide position 2835. The lysine at codon 945 is replaced by asparagine, an amino acid with similar properties. This amino acid position is poorly conserved in available vertebrate species. In addition, this alteration is predicted to be tolerated by in silico analysis. Since supporting evidence is limited at this time, the clinical significance of this alteration remains unclear.

All of Us Research Program, National Institutes of Health
Classification: Uncertain significance for Breast-ovarian cancer, familial, susceptibility to, 2. Last evaluated: 2023-05-31. Review status: criteria provided, single submitter. Criteria: ACMG Guidelines, 2015. Collection method: clinical testing. Allele origin: germline. Inheritance: Autosomal dominant inheritance. Observed: 1 variant allele, 1 heterozygote.
Comment: This study involves interpretation of variants in research participants for the purpose of population health screening. Participant phenotype was not available at the time of variant classification. Additional details can be found in publication PMID: 35346344, PMCID: PMC8962531

University of Washington Department of Laboratory Medicine, University of Washington
Classification: Likely benign for Hereditary cancer-predisposing syndrome. Last evaluated: 2023-03-23. Review status: criteria provided, single submitter. Criteria: Dines et al. (Genet Med. 2020). Collection method: curation. Allele origin: germline.
Comment: Missense variant in a coldspot region where missense variants are very unlikely to be pathogenic (PMID:31911673).

BRCA2 exon 11 coldspot. Reclassification based on statistical prior probability.

Labcorp Genetics (formerly Invitae), Labcorp
Classification: Uncertain significance for Hereditary breast ovarian cancer syndrome. Last evaluated: 2022-11-25. Review status: criteria provided, single submitter. Criteria: Invitae Variant Classification Sherloc (09022015). Collection method: clinical testing. Allele origin: germline.
Comment: This sequence change replaces lysine, which is basic and polar, with asparagine, which is neutral and polar, at codon 945 of the BRCA2 protein (p.Lys945Asn). This variant is not present in population databases (gnomAD no frequency). This missense change has been observed in individual(s) with breast cancer (PMID: 25503501). ClinVar contains an entry for this variant (Variation ID: 91789). Advanced modeling of protein sequence and biophysical properties (such as structural, functional, and spatial information, amino acid conservation, physicochemical variation, residue mobility, and thermodynamic stability) performed at Invitae indicates that this missense variant is not expected to disrupt BRCA2 protein function. In summary, the available evidence is currently insufficient to determine the role of this variant in disease. Therefore, it has been classified as a Variant of Uncertain Significance.

Color Diagnostics, LLC DBA Color Health
Classification: Uncertain significance for Hereditary cancer-predisposing syndrome. Last evaluated: 2019-04-15. Review status: criteria provided, single submitter. Criteria: ACMG Guidelines, 2015. Collection method: clinical testing. Allele origin: germline.

Sharing Clinical Reports Project (SCRP)
Classification: Uncertain significance for Breast-ovarian cancer, familial 2. Last evaluated: 2010-11-23. Review status: no assertion criteria provided. Collection method: clinical testing. Allele origin: germline. Not counted in ClinVar's aggregate classification.

Literature cited by the submitters: PubMed 25503501 (cited by Labcorp Genetics (formerly Invitae), Labcorp).